The following is an entry in ClinVar:

NM_004667.6(HERC2):c.2756A>G (p.Asn919Ser)

Gene: HERC2 (HECT and RLD domain containing E3 ubiquitin protein ligase 2; minus strand). Cytogenetic location: 15q13.1.
Variant type: single nucleotide variant.
Coding change: c.2756A>G on transcript NM_004667.6 (MANE Select); coding-DNA position 2756, A replaced by G.
Protein change: p.Asn919Ser; replaces asparagine 919 with serine.
Molecular consequence: missense variant.
Genome position (GRCh38, 1-based): chr15:28,255,987, T>C on the plus strand (A>G on the coding strand, the complement: HERC2 is on the minus strand). VCF-style: chr15-28255987-T-C. GRCh37 (hg19) VCF-style: chr15-28501133-T-C.
Other names: short protein forms N919S.
Identifiers: ClinVar variation 4822469 (VCV004822469.4).

ClinVar aggregate classification (germline): Uncertain significance (1 of 4 stars; one submission).

gnomAD v4.1: 13 of 1,606,038 alleles (0.00081%); highest among the groups gnomAD compares: South Asian, 0.0099%; no homozygotes.

Submission:

CeGaT Center for Human Genetics Tuebingen
Classification: Uncertain significance. Last evaluated: 2026-01-01. Review status: criteria provided, single submitter. Criteria: CeGaT Center For Human Genetics Tuebingen Variant Classification Criteria Version 2. Collection method: clinical testing. Allele origin: germline. Affected: yes. Observed: 1 variant allele.
Comment: HERC2: PM2